The following is an entry in ClinVar:

ClinVar aggregate classification (germline): Pathogenic (1 of 4 stars; one submission).

Submission:

Ambry Genetics
Classification: Pathogenic. Last evaluated: 2025-02-06. Review status: criteria provided, single submitter. Criteria: Ambry Variant Classification Scheme 2023. Collection method: clinical testing. Allele origin: germline.
Comment: The c.1382_1383delCT (p.S461Cfs*55) alteration, located in exon 12 (coding exon 12) of the GIGYF1 gene, consists of a deletion of 2 nucleotides from position 1382 to 1383, causing a translational frameshift with a predicted alternate stop codon after 55 amino acids. This alteration is expected to result in loss of function by premature protein truncation or nonsense-mediated mRNA decay. This variant was not reported in population-based cohorts in the Genome Aggregation Database (gnomAD). Based on the available evidence, this alteration is classified as pathogenic.

NM_001375765.1(GIGYF1):c.1382_1383del (p.Ser461fs)

Gene: GIGYF1 (GRB10 interacting GYF protein 1; minus strand). Cytogenetic location: 7q22.1.
Variant type: Microsatellite.
Coding change: c.1382_1383del on transcript NM_001375765.1 (MANE Select); coding-DNA positions 1382 to 1383, 2 bases deleted (CT; older notation c.1382_1383delCT).
Protein change: p.Ser461fs; shifts the reading frame from serine 461.
Molecular consequence: frameshift variant. On other transcripts: non-coding transcript variant (1).
Genome position (GRCh38, 1-based): chr7:100,684,802-100,684,803, AG deleted on the plus strand (CT on the coding strand, the reverse complement: GIGYF1 is on the minus strand); deleting any 2 consecutive bases within chr7:100,684,802-100,684,805 gives the same sequence; the c. name uses the placement nearest the transcript's 3' end. VCF-style (leftmost placement, unchanged base first): chr7-100684801-CAG-C. GRCh37 (hg19) VCF-style: chr7-100282424-CAG-C.
Other names: NM_022574.4:c.1382_1383delCT; c.1382_1383del, p.Ser461fs (NM_001375759.1, NM_001375760.1, NM_001375761.1 and 6 more transcripts); short protein forms S461fs.
Identifiers: ClinVar variation 3853961 (VCV003853961.1).